The following is an entry in ClinVar:

NM_006348.5(COG5):c.220G>T (p.Glu74Ter)

Gene: COG5 (component of oligomeric golgi complex 5; minus strand). Cytogenetic location: 7q22.3.
Variant type: single nucleotide variant.
Coding change: c.220G>T on transcript NM_006348.5 (MANE Select); coding-DNA position 220, G replaced by T.
Protein change: p.Glu74Ter; replaces glutamic acid 74 with a stop codon.
Molecular consequence: nonsense.
Genome position (GRCh38, 1-based): chr7:107,557,990, C>A on the plus strand (G>T on the coding strand, the complement: COG5 is on the minus strand). VCF-style: chr7-107557990-C-A. GRCh37 (hg19) VCF-style: chr7-107198435-C-A.
Other names: c.220G>T, p.Glu74Ter (NM_001161520.2, NM_001379511.1, NM_001379512.1 and 5 more transcripts); short protein forms E74*.
Identifiers: ClinVar variation 966927 (VCV000966927.3), dbSNP rs1803451815, ClinGen allele CA368823070.

ClinVar aggregate classification (germline): Pathogenic (1 of 4 stars; one submission).

Conditions:
COG5-congenital disorder of glycosylation. Also called: CDG IIi; CONGENITAL DISORDER OF GLYCOSYLATION, TYPE IIi; COG5-CDG. Identifiers: Orphanet 263487, MedGen C3150876, MONDO:0013325, OMIM 613612.

Submission:

Labcorp Genetics (formerly Invitae), Labcorp
Classification: Pathogenic for COG5-congenital disorder of glycosylation. Last evaluated: 2021-09-08. Review status: criteria provided, single submitter. Criteria: Invitae Variant Classification Sherloc (09022015). Collection method: clinical testing. Allele origin: germline.
Comment: This sequence change creates a premature translational stop signal (p.Glu105*) in the COG5 gene. It is expected to result in an absent or disrupted protein product. This variant is not present in population databases (ExAC no frequency). This variant has not been reported in the literature in individuals with COG5-related conditions. Loss-of-function variants in COG5 are known to be pathogenic (PMID: 23228021). For these reasons, this variant has been classified as Pathogenic.

Literature cited by the submitters: PubMed 23228021.